The following is an entry in ClinVar:

ClinVar aggregate classification (germline): Uncertain significance (1 of 4 stars; one submission).

Submission:

GeneDx
Classification: Uncertain significance. Last evaluated: 2025-01-16. Review status: criteria provided, single submitter. Criteria: GeneDx Variant Classification Process June 2021. Collection method: clinical testing. Allele origin: germline. Affected: yes.
Comment: Not observed at significant frequency in large population cohorts (gnomAD); In silico analysis supports that this missense variant has a deleterious effect on protein structure/function; Has not been previously published as pathogenic or benign to our knowledge

NM_002860.4(ALDH18A1):c.2210C>A (p.Ala737Asp)

Gene: ALDH18A1 (aldehyde dehydrogenase 18 family member A1; minus strand). Cytogenetic location: 10q24.1.
Variant type: single nucleotide variant.
Coding change: c.2210C>A on transcript NM_002860.4 (MANE Select); coding-DNA position 2210, C replaced by A.
Protein change: p.Ala737Asp; replaces alanine 737 with aspartic acid.
Molecular consequence: missense variant.
Genome position (GRCh38, 1-based): chr10:95,606,940, G>T on the plus strand (C>A on the coding strand, the complement: ALDH18A1 is on the minus strand). VCF-style: chr10-95606940-G-T. GRCh37 (hg19) VCF-style: chr10-97366697-G-T.
Other names: c.2204C>A, p.Ala735Asp (NM_001017423.2, NM_001323415.2); c.1877C>A, p.Ala626Asp (NM_001323412.2, NM_001323416.2); c.2210C>A, p.Ala737Asp (NM_001323413.2, NM_001323414.2); c.2105C>A, p.Ala702Asp (NM_001323417.2); c.1871C>A, p.Ala624Asp (NM_001323418.2); c.1574C>A, p.Ala525Asp (NM_001323419.2); short protein forms A525D, A624D, A626D, A702D, A735D, A737D.
Identifiers: ClinVar variation 4070758 (VCV004070758.1).